The following is an entry in ClinVar:

NM_017514.5(PLXNA3):c.1695G>A (p.Val565=)

Gene: PLXNA3 (plexin A3; plus strand). Cytogenetic location: Xq28.
Variant type: single nucleotide variant.
Coding change: c.1695G>A on transcript NM_017514.5 (MANE Select); coding-DNA position 1695, G replaced by A.
Protein change: p.Val565=; no amino-acid change (valine 565 retained).
Molecular consequence: synonymous variant.
Genome position (GRCh38, 1-based): chrX:154,464,180, G>A. VCF-style: chrX-154464180-G-A. GRCh37 (hg19) VCF-style: chrX-153692523-G-A.
Identifiers: ClinVar variation 3036913 (VCV003036913.2), dbSNP rs146025967, ClinGen allele CA10564144.

ClinVar aggregate classification (germline): Likely benign (0 of 4 stars; one submission).

Conditions:
PLXNA3-related disorder. Also called: PLXNA3-related condition.

Allele frequency attached by ClinVar (database versions not stated): TOPMed 0.00017; gnomAD 0.00018; 1000 Genomes Project 0.00026; ExAC 0.00029; 1000 Genomes Project 30x 0.00042; ESP Exome Variant Server 0.00057.
gnomAD v4.1: 427 of 1,208,897 alleles (0.035%); highest among the groups gnomAD compares: Non-Finnish European, 0.045%; no homozygotes.

Submission:

PreventionGenetics, part of Exact Sciences
Classification: Likely benign for PLXNA3-related condition. Last evaluated: 2021-06-28. Review status: no assertion criteria provided. Collection method: clinical testing. Allele origin: germline.
Comment: This variant is classified as likely benign based on ACMG/AMP sequence variant interpretation guidelines (Richards et al. 2015 PMID: 25741868, with internal and published modifications).